The following is an entry in ClinVar:

ClinVar aggregate classification (germline): Uncertain significance (1 of 4 stars; one submission).

gnomAD v4.1: 32 of 1,607,516 alleles (0.002%); highest among the groups gnomAD compares: South Asian, 0.027%; no homozygotes.

Submission:

GeneDx
Classification: Uncertain significance. Last evaluated: 2026-03-25. Review status: criteria provided, single submitter. Criteria: GeneDx Variant Classification Process June 2021. Collection method: clinical testing. Allele origin: germline.
Comment: In silico analysis suggests that this missense variant does not alter protein structure/function; Has not been previously published as pathogenic or benign to our knowledge

NM_001813.3(CENPE):c.3302T>C (p.Val1101Ala)

Gene: CENPE (centromere protein E; minus strand). Cytogenetic location: 4q24.
Variant type: single nucleotide variant.
Coding change: c.3302T>C on transcript NM_001813.3 (MANE Select); coding-DNA position 3302, T replaced by C.
Protein change: p.Val1101Ala; replaces valine 1101 with alanine.
Molecular consequence: missense variant.
Genome position (GRCh38, 1-based): chr4:103,151,313, A>G on the plus strand (T>C on the coding strand, the complement: CENPE is on the minus strand). VCF-style: chr4-103151313-A-G. GRCh37 (hg19) VCF-style: chr4-104072470-A-G.
Other names: c.3227T>C, p.Val1076Ala (NM_001286734.2); short protein forms V1076A, V1101A.
Identifiers: ClinVar variation 5017465 (VCV005017465.1).